The following is an entry in ClinVar:

ClinVar aggregate classification (germline): Uncertain significance (1 of 4 stars; one submission).

Allele frequency attached by ClinVar (database versions not stated): TOPMed below 0.00001; gnomAD 0.00001.

Submission:

Labcorp Genetics (formerly Invitae), Labcorp
Classification: Uncertain significance. Last evaluated: 2023-12-16. Review status: criteria provided, single submitter. Criteria: Invitae Variant Classification Sherloc (09022015). Collection method: clinical testing. Allele origin: germline.
Comment: This sequence change replaces glycine, which is neutral and non-polar, with serine, which is neutral and polar, at codon 328 of the ARID1A protein (p.Gly328Ser). This variant is not present in population databases (gnomAD no frequency). This variant has not been reported in the literature in individuals affected with ARID1A-related conditions. Advanced modeling of protein sequence and biophysical properties (such as structural, functional, and spatial information, amino acid conservation, physicochemical variation, residue mobility, and thermodynamic stability) performed at Invitae indicates that this missense variant is not expected to disrupt ARID1A protein function with a negative predictive value of 95%. In summary, the available evidence is currently insufficient to determine the role of this variant in disease. Therefore, it has been classified as a Variant of Uncertain Significance.

NM_006015.6(ARID1A):c.982G>A (p.Gly328Ser)

Genes: ARID1A (AT-rich interaction domain 1A; plus strand), LOC129929837 (ATAC-STARR-seq lymphoblastoid silent region 489; plus strand). Cytogenetic location: 1p36.11.
Variant type: single nucleotide variant.
Coding change: c.982G>A on transcript NM_006015.6 (MANE Select); coding-DNA position 982, G replaced by A.
Protein change: p.Gly328Ser; replaces glycine 328 with serine.
Molecular consequence: missense variant.
Genome position (GRCh38, 1-based): chr1:26,697,385, G>A. VCF-style: chr1-26697385-G-A. GRCh37 (hg19) VCF-style: chr1-27023876-G-A.
Other names: c.982G>A, p.Gly328Ser (NM_139135.4); short protein forms G328S.
Identifiers: ClinVar variation 2755378 (VCV002755378.3), dbSNP rs1327840482, ClinGen allele CA339266936.